The following is an entry in ClinVar:

ClinVar aggregate classification (germline): Uncertain significance (1 of 4 stars; one submission).

Allele frequency attached by ClinVar (database versions not stated): gnomAD 0.00001; gnomAD exomes 0.00001 and 0.00002; ExAC 0.00002; TOPMed 0.00002.
gnomAD v4.1: 5 of 1,613,570 alleles (0.00031%); highest among the groups gnomAD compares: Admixed American, 0.0083%; no homozygotes.

Submission:

Labcorp Genetics (formerly Invitae), Labcorp
Classification: Uncertain significance. Last evaluated: 2024-03-01. Review status: criteria provided, single submitter. Criteria: Invitae Variant Classification Sherloc (09022015). Collection method: clinical testing. Allele origin: germline.
Comment: This sequence change replaces tryptophan, which is neutral and slightly polar, with leucine, which is neutral and non-polar, at codon 175 of the RHO protein (p.Trp175Leu). This variant is present in population databases (rs760894205, gnomAD 0.01%). This variant has not been reported in the literature in individuals affected with RHO-related conditions. ClinVar contains an entry for this variant (Variation ID: 1002438). Advanced modeling of protein sequence and biophysical properties (such as structural, functional, and spatial information, amino acid conservation, physicochemical variation, residue mobility, and thermodynamic stability) performed at Invitae indicates that this missense variant is expected to disrupt RHO protein function with a positive predictive value of 80%. In summary, the available evidence is currently insufficient to determine the role of this variant in disease. Therefore, it has been classified as a Variant of Uncertain Significance.

NM_000539.3(RHO):c.524G>T (p.Trp175Leu)

Gene: RHO (rhodopsin; plus strand). Cytogenetic location: 3q22.1.
Variant type: single nucleotide variant.
Coding change: c.524G>T on transcript NM_000539.3 (MANE Select); coding-DNA position 524, G replaced by T.
Protein change: p.Trp175Leu; replaces tryptophan 175 with leucine.
Molecular consequence: missense variant.
Genome position (GRCh38, 1-based): chr3:129,531,038, G>T. VCF-style: chr3-129531038-G-T. GRCh37 (hg19) VCF-style: chr3-129249881-G-T.
Other names: short protein forms W175L.
Identifiers: ClinVar variation 1002438 (VCV001002438.8), dbSNP rs760894205, ClinGen allele CA2607182.